The following is an entry in ClinVar:

ClinVar aggregate classification (germline): Pathogenic. Review status: reviewed by expert panel (3 of 4 stars). 3 submissions from 3 submitters: Pathogenic (1). 2 of the submissions do not count toward it. Last evaluated 2016-10-18.

Conditions:
Hereditary breast ovarian cancer syndrome. Also called: Hereditary breast and ovarian cancer syndrome (HBOC); Breast and ovarian cancer; Hereditary breast and ovarian cancer syndrome; Hereditary breast and ovarian cancer; BRCA1- and BRCA2-Associated Hereditary Breast and Ovarian Cancer; Hereditary breast and/or ovarian cancer syndrome. Identifiers: Orphanet 145, MedGen C0677776, MeSH D061325, MONDO:0003582. Disease mechanism: loss of function.
Breast-ovarian cancer, familial, susceptibility to, 1 (BROVCA1). Also called: BRCA1 Hereditary Breast and Ovarian Cancer; OVARIAN CANCER, SUSCEPTIBILITY TO. Identifiers: Orphanet 145, MedGen C2676676, MONDO:0011450, OMIM 604370. Disease mechanism: loss of function.

Submissions (3):

Evidence-based Network for the Interpretation of Germline Mutant Alleles (ENIGMA)
Classification: Pathogenic for Breast-ovarian cancer, familial, susceptibility to, 1. Last evaluated: 2016-10-18. Review status: reviewed by expert panel. Criteria: ENIGMA BRCA1/2 Classification Criteria (2015). Collection method: curation. Allele origin: germline.
Comment: Variant allele predicted to encode a truncated non-functional protein.

Labcorp Genetics (formerly Invitae), Labcorp
Classification: Pathogenic for Hereditary breast ovarian cancer syndrome. Last evaluated: 2025-07-31. Review status: criteria provided, single submitter. Criteria: Invitae Variant Classification Sherloc (09022015). Collection method: clinical testing. Allele origin: germline. Not counted in ClinVar's aggregate classification.
Comment: This sequence change creates a premature translational stop signal (p.Thr1310Asnfs*20) in the BRCA1 gene. It is expected to result in an absent or disrupted protein product. Loss-of-function variants in BRCA1 are known to be pathogenic (PMID: 20104584). This variant is not present in population databases (gnomAD no frequency). This premature translational stop signal has been observed in individual(s) with ovarian cancer (PMID: 29020660). This variant is also known as c.3928_3929insA. ClinVar contains an entry for this variant (Variation ID: 266418). Algorithms developed to predict the effect of sequence changes on RNA splicing suggest that this variant may disrupt the consensus splice site. For these reasons, this variant has been classified as Pathogenic.

Consortium of Investigators of Modifiers of BRCA1/2 (CIMBA), c/o University of Cambridge
Classification: Pathogenic for Breast-ovarian cancer, familial, susceptibility to, 1. Last evaluated: 2015-10-02. Review status: criteria provided, single submitter. Criteria: CIMBA Mutation Classification guidelines May 2016. Collection method: clinical testing. Allele origin: germline. Not counted in ClinVar's aggregate classification.

Literature cited by the submitters: PubMed 20104584 (cited by Labcorp Genetics (formerly Invitae), Labcorp); PubMed 29020660 (cited by Labcorp Genetics (formerly Invitae), Labcorp).

NM_007294.4(BRCA1):c.3928dup (p.Thr1310fs)

Genes: BRCA1 (BRCA1 DNA repair associated; minus strand), LOC126862571 (BRD4-independent group 4 enhancer GRCh37_chr17:41243136-41244335; plus strand). Cytogenetic location: 17q21.31.
Variant type: Duplication.
Coding change: c.3928dup on transcript NM_007294.4 (MANE Select); coding-DNA position 3928, one base duplicated (A; older notation c.3928dupA).
Protein change: p.Thr1310fs; shifts the reading frame from threonine 1310.
Molecular consequence: frameshift variant. On other transcripts: intron variant (135).
Genome position (GRCh38, 1-based): chr17:43,091,603, T duplicated on the plus strand (A on the coding strand, the reverse complement: BRCA1 is on the minus strand). VCF-style (leftmost placement, unchanged base first): chr17-43091602-G-GT. GRCh37 (hg19) VCF-style: chr17-41243619-G-GT.
Other names: 4047insA - ter1329; c.3928dupA (NM_007294.3); c.785-571dup (NM_001408401.1, NM_001408396.1, NM_001407985.1 and 13 more transcripts); c.548-571dup (NM_001408494.1); c.665-571dup (NM_001408444.1, NM_001408438.1, NM_001408430.1 and 12 more transcripts); c.671-571dup (NM_001408423.1, NM_001408420.1, NM_001408419.1 and 2 more transcripts); c.788-571dup (NM_001408404.1, NM_001408472.1, NM_001407990.1 and 17 more transcripts); c.578-571dup (NM_001408492.1, NM_001408513.1, NM_001408489.1 and 9 more transcripts); and 43 more; short protein forms T1263fs, T1310fs, T1142fs, T1183fs, T1262fs, T1014fs, T1182fs, T1198fs.
Identifiers: ClinVar variation 266418 (VCV000266418.13), dbSNP rs886040176, ClinGen allele CA10589713.